The following is an entry in ClinVar:

ClinVar aggregate classification (germline): Conflicting classifications of pathogenicity. Review status: criteria provided, conflicting classifications (1 of 4 stars). 4 submissions from 3 submitters: Uncertain significance (1); Likely benign (2). 1 of the submissions does not count toward it. Last evaluated 2026-10-01.

Submissions (4):

CeGaT Center for Human Genetics Tuebingen
Classification: Likely benign. Last evaluated: 2026-10-01. Review status: criteria provided, single submitter. Criteria: CeGaT Center For Human Genetics Tuebingen Variant Classification Criteria Version 2. Collection method: clinical testing. Allele origin: germline. Affected: yes. Observed: 13 variant alleles.
Comment: LRP5: BS2

GeneDx
Classification: Likely benign. Last evaluated: 2019-08-19. Review status: criteria provided, single submitter. Criteria: GeneDx Variant Classification Process June 2021. Collection method: clinical testing. Allele origin: germline. Affected: yes.
Comment: See Variant Classification Assertion Criteria.

Eurofins Ntd Llc (ga)
Classification: Uncertain significance. Last evaluated: 2016-05-03. Review status: criteria provided, single submitter. Criteria: EGL Classification Definitions 2015. Collection method: clinical testing. Allele origin: germline. Observed: 1 variant allele, 1 heterozygote.

GeneDx
Classification: Likely benign. Last evaluated: 2016-08-17. Review status: flagged submission. Criteria: GeneDx Variant Classification (06012015). Collection method: clinical testing. Allele origin: germline. Affected: yes. Not counted in ClinVar's aggregate classification.
Comment: This variant is considered likely benign or benign based on one or more of the following criteria: it is a conservative change, it occurs at a poorly conserved position in the protein, it is predicted to be benign by multiple in silico algorithms, and/or has population frequency not consistent with disease.
ClinVar note: Reason: This record appears to be redundant with a more recent record from the same submitter.
ClinVar note: Notes: SCV000565116 appears to be redundant with SCV002765808.

NM_002335.4(LRP5):c.-19del

Gene: LRP5 (LDL receptor related protein 5; plus strand). Cytogenetic location: 11q13.2.
Variant type: Deletion.
Coding change: c.-19del on transcript NM_002335.4 (MANE Select); 19 bases upstream of the start codon, one base deleted (C; older notation c.-19delC).
Molecular consequence: 5 prime UTR variant.
Genome position (GRCh38, 1-based): chr11:68,312,696, C deleted; the last of 3 consecutive C bases (chr11:68,312,694-68,312,696); deleting any one gives the same sequence. VCF-style (leftmost placement, unchanged base first): chr11-68312693-GC-G. GRCh37 (hg19) VCF-style: chr11-68080161-GC-G.
Other names: c.-1784del (NM_001291902.2).
Identifiers: ClinVar variation 287479 (VCV000287479.30), dbSNP rs763941232, ClinGen allele CA6148886.
Genomic context (GRCh38, chr11:68,312,693, plus strand): 5'-CGGGAGCCGCGCGAGGAGCCGCCGCCGCCGCGCCATGGAGCCCGAGTGAGCGCGGCGCGG[GC>G]CCGTCCGGCCGCCGGACAACATGGAGGCAGCGCCGCCCGGGCCGCCGTGGCCGCTGCTGC-3'